The following is an entry in ClinVar:

ClinVar aggregate classification (germline): Uncertain significance. Review status: criteria provided, multiple submitters, no conflicts (2 of 4 stars). 3 submissions from 3 submitters: Uncertain significance (3). Last evaluated 2024-11-07.

Conditions:
Hereditary cancer-predisposing syndrome. Also called: Tumor predisposition; Neoplastic Syndromes, Hereditary; Hereditary Cancer Syndrome; Hereditary neoplastic syndrome. Identifiers: Orphanet 140162, MedGen C0027672, MeSH D009386, MONDO:0015356.
Fanconi anemia complementation group J. Also called: BRIP1-Related Fanconi Anemia. Identifiers: Orphanet 84, MedGen C1836860, MONDO:0012187, OMIM 609054.
Familial cancer of breast. Also called: BREAST CANCER, FAMILIAL; hereditary breast carcinoma; Hereditary breast cancer. Identifiers: Orphanet 227535, MedGen C0346153, MONDO:0016419, OMIM 114480. Disease mechanism: loss of function.

Allele frequency attached by ClinVar (database versions not stated): gnomAD exomes below 0.00001; ExAC 0.00001.
gnomAD v4.1: 1 of 1,613,580 alleles (0.000062%); highest among the groups gnomAD compares: Non-Finnish European, 0.000085%; no homozygotes.

Submissions (3):

Labcorp Genetics (formerly Invitae), Labcorp
Classification: Uncertain significance for Familial cancer of breast; Fanconi anemia complementation group J. Last evaluated: 2024-11-07. Review status: criteria provided, single submitter. Criteria: Invitae Variant Classification Sherloc (09022015). Collection method: clinical testing. Allele origin: germline.
Comment: This sequence change replaces isoleucine, which is neutral and non-polar, with methionine, which is neutral and non-polar, at codon 983 of the BRIP1 protein (p.Ile983Met). This variant is present in population databases (rs746715917, gnomAD 0.0009%). This variant has not been reported in the literature in individuals affected with BRIP1-related conditions. ClinVar contains an entry for this variant (Variation ID: 491460). Invitae Evidence Modeling of protein sequence and biophysical properties (such as structural, functional, and spatial information, amino acid conservation, physicochemical variation, residue mobility, and thermodynamic stability) indicates that this missense variant is not expected to disrupt BRIP1 protein function with a negative predictive value of 95%. In summary, the available evidence is currently insufficient to determine the role of this variant in disease. Therefore, it has been classified as a Variant of Uncertain Significance.

Ambry Genetics
Classification: Uncertain significance for Hereditary cancer-predisposing syndrome. Last evaluated: 2024-03-28. Review status: criteria provided, single submitter. Criteria: Ambry Variant Classification Scheme 2023. Collection method: clinical testing. Allele origin: germline.
Comment: The p.I983M variant (also known as c.2949T>G), located in coding exon 19 of the BRIP1 gene, results from a T to G substitution at nucleotide position 2949. The isoleucine at codon 983 is replaced by methionine, an amino acid with highly similar properties. This amino acid position is conserved. In addition, this alteration is predicted to be tolerated by in silico analysis. Based on the available evidence, the clinical significance of this alteration remains unclear.

Color Diagnostics, LLC DBA Color Health
Classification: Uncertain significance for Hereditary cancer-predisposing syndrome. Last evaluated: 2023-12-05. Review status: criteria provided, single submitter. Criteria: ACMG Guidelines, 2015. Collection method: clinical testing. Allele origin: germline.
Comment: This missense variant replaces isoleucine with methionine at codon 983 of the BRIP1 protein. Computational prediction suggests that this variant may not impact protein structure and function (internally defined REVEL score threshold <= 0.5, PMID: 27666373). To our knowledge, functional studies have not been reported for this variant. This variant has not been reported in individuals affected with BRIP1-related disorders in the literature. This variant has been identified in 1/250688 chromosomes in the general population by the Genome Aggregation Database (gnomAD). The available evidence is insufficient to determine the role of this variant in disease conclusively. Therefore, this variant is classified as a Variant of Uncertain Significance.

NM_032043.3(BRIP1):c.2949T>G (p.Ile983Met)

Gene: BRIP1 (BRCA1 interacting DNA helicase 1; minus strand). Cytogenetic location: 17q23.2.
Variant type: single nucleotide variant.
Coding change: c.2949T>G on transcript NM_032043.3 (MANE Select); coding-DNA position 2949, T replaced by G.
Protein change: p.Ile983Met; replaces isoleucine 983 with methionine.
Molecular consequence: missense variant.
Genome position (GRCh38, 1-based): chr17:61,684,097, A>C on the plus strand (T>G on the coding strand, the complement: BRIP1 is on the minus strand). VCF-style: chr17-61684097-A-C. GRCh37 (hg19) VCF-style: chr17-59761458-A-C.
Other names: short protein forms I983M.
Identifiers: ClinVar variation 491460 (VCV000491460.17), dbSNP rs746715917, ClinGen allele CA8690418.